The following is an entry in ClinVar:

ClinVar aggregate classification (germline): Pathogenic (1 of 4 stars; one submission).

Conditions:
Hereditary cancer-predisposing syndrome. Also called: Neoplastic Syndromes, Hereditary; Tumor predisposition; Hereditary Cancer Syndrome; Hereditary neoplastic syndrome. Identifiers: Orphanet 140162, MedGen C0027672, MeSH D009386, MONDO:0015356.

Submission:

Ambry Genetics
Classification: Pathogenic for Hereditary cancer-predisposing syndrome. Last evaluated: 2020-04-23. Review status: criteria provided, single submitter. Criteria: Ambry Variant Classification Scheme 2023. Collection method: clinical testing. Allele origin: germline.
Comment: The c.1148delA pathogenic mutation, located in coding exon 11 of the PMS2 gene, results from a deletion of one nucleotide at nucleotide position 1148, causing a translational frameshift with a predicted alternate stop codon (p.N383Tfs*2). This alteration is expected to result in loss of function by premature protein truncation or nonsense-mediated mRNA decay. As such, this alteration is interpreted as a disease-causing mutation.

NM_000535.7(PMS2):c.1148del (p.Asn383fs)

Gene: PMS2 (PMS1 homolog 2, mismatch repair system component; minus strand). Cytogenetic location: 7p22.1.
Variant type: Deletion.
Coding change: c.1148del on transcript NM_000535.7 (MANE Select); coding-DNA position 1148, one base deleted (A; older notation c.1148delA).
Protein change: p.Asn383fs; shifts the reading frame from asparagine 383.
Molecular consequence: frameshift variant. On other transcripts: non-coding transcript variant (1).
Genome position (GRCh38, 1-based): chr7:5,987,617, T deleted on the plus strand (A on the coding strand, the reverse complement: PMS2 is on the minus strand); the first of 2 consecutive T bases (chr7:5,987,617-5,987,618); deleting either gives the same sequence. VCF-style (leftmost placement, unchanged base first): chr7-5987616-GT-G. GRCh37 (hg19) VCF-style: chr7-6027247-GT-G.
Other names: c.743del, p.Asn248fs (NM_001322003.2, NM_001322004.2, NM_001322005.2 and 1 more transcripts); c.742delA, p.Asn248Thrfs (NM_001018040.1, NM_001406887.1, NM_001406888.1 and 13 more transcripts); c.992del, p.Asn331fs (NM_001322006.2); c.830del, p.Asn277fs (NM_001322007.2, NM_001322008.2); c.587del, p.Asn196fs (NM_001322010.2); c.215del, p.Asn72fs (NM_001322011.2, NM_001322012.2); c.575del, p.Asn192fs (NM_001322013.2); c.1148del, p.Asn383fs (NM_001322014.2); and 20 more; short protein forms N248fs, N72fs, N277fs, N280fs, N383fs, N192fs, N196fs, N331fs.
Identifiers: ClinVar variation 1733050 (VCV001733050.2), dbSNP rs2535843816, ClinGen allele CA2580076985.